The following is an entry in ClinVar:

NM_004612.4(TGFBR1):c.337A>G (p.Thr113Ala)

Gene: TGFBR1 (transforming growth factor beta receptor 1; plus strand). Cytogenetic location: 9q22.33.
Variant type: single nucleotide variant.
Coding change: c.337A>G on transcript NM_004612.4 (MANE Select); coding-DNA position 337, A replaced by G.
Protein change: p.Thr113Ala; replaces threonine 113 with alanine.
Molecular consequence: missense variant.
Genome position (GRCh38, 1-based): chr9:99,129,094, A>G. VCF-style: chr9-99129094-A-G. GRCh37 (hg19) VCF-style: chr9-101891376-A-G.
Other names: c.337A>G, p.Thr113Ala (NM_001130916.3, NM_001306210.2); c.337A>G (NM_004612.2); short protein forms T113A.
Identifiers: ClinVar variation 1171572 (VCV001171572.7), dbSNP rs762573778, ClinGen allele CA041557.
Genomic context (GRCh38, chr9:99,129,094, plus strand): 5'-GGGTCTGTGACTACAACATATTGCTGCAATCAGGACCATTGCAATAAAATAGAACTTCCA[A>G]CTACTGGTAAGTTGTATAAAATTTTTTTCCTAGATACTACAAGAAAAACTCTTCATACTC-3'
Protein context (NP_004603.1, residues 103-123): QDHCNKIELP[Thr113Ala]TVKSSPGLGP

ClinVar aggregate classification (germline): Uncertain significance. Review status: criteria provided, multiple submitters, no conflicts (2 of 4 stars). 3 submissions from 3 submitters: Uncertain significance (3). Last evaluated 2026-07-07.

Conditions:
Familial thoracic aortic aneurysm and aortic dissection (TAAD). Also called: Thoracic aortic aneurysms and dissections. Identifiers: Orphanet 91387, MedGen C4707243, MONDO:0019625.

Allele frequency attached by ClinVar (database versions not stated): gnomAD exomes below 0.00001; ExAC 0.00001.
gnomAD v4.1: 4 of 1,613,852 alleles (0.00025%); highest among the groups gnomAD compares: Non-Finnish European, 0.00034%; no homozygotes.

Submissions (3):

Ambry Genetics
Classification: Uncertain significance for Familial thoracic aortic aneurysm and aortic dissection. Last evaluated: 2026-07-07. Review status: criteria provided, single submitter. Criteria: Ambry Variant Classification Scheme 2023. Collection method: clinical testing. Allele origin: germline.
Comment: The p.T113A variant (also known as c.337A>G), located in coding exon 2 of the TGFBR1 gene, results from an A to G substitution at nucleotide position 337. The threonine at codon 113 is replaced by alanine, an amino acid with similar properties. This amino acid position is conserved. In addition, this alteration is predicted to be tolerated by in silico analysis. Based on the available evidence, the clinical significance of this variant remains unclear.

Labcorp Genetics (formerly Invitae), Labcorp
Classification: Uncertain significance for Familial thoracic aortic aneurysm and aortic dissection. Last evaluated: 2025-11-22. Review status: criteria provided, single submitter. Criteria: Invitae Variant Classification Sherloc (09022015). Collection method: clinical testing. Allele origin: germline.
Comment: This sequence change replaces threonine, which is neutral and polar, with alanine, which is neutral and non-polar, at codon 113 of the TGFBR1 protein (p.Thr113Ala). This variant is present in population databases (rs762573778, gnomAD 0.0009%). This variant has not been reported in the literature in individuals affected with TGFBR1-related conditions. ClinVar contains an entry for this variant (Variation ID: 1171572). Invitae Evidence Modeling of protein sequence and biophysical properties (such as structural, functional, and spatial information, amino acid conservation, physicochemical variation, residue mobility, and thermodynamic stability) indicates that this missense variant is not expected to disrupt TGFBR1 protein function with a negative predictive value of 80%. In summary, the available evidence is currently insufficient to determine the role of this variant in disease. Therefore, it has been classified as a Variant of Uncertain Significance.

Color Diagnostics, LLC DBA Color Health
Classification: Uncertain significance for Familial thoracic aortic aneurysm and aortic dissection. Last evaluated: 2024-03-06. Review status: criteria provided, single submitter. Criteria: ACMG Guidelines, 2015. Collection method: clinical testing. Allele origin: germline.
Comment: This missense variant replaces threonine with alanine at codon 113 of the TGFBR1 protein. Computational prediction suggests that this variant may not impact protein structure and function (internally defined REVEL score threshold <= 0.5, PMID: 27666373). To our knowledge, functional studies have not been reported for this variant. This variant has not been reported in individuals affected with cardiovascular disorders in the literature. This variant has been identified in 1/250308 chromosomes in the general population by the Genome Aggregation Database (gnomAD). The available evidence is insufficient to determine the role of this variant in disease conclusively. Therefore, this variant is classified as a Variant of Uncertain Significance.